The following is an entry in ClinVar:

ClinVar aggregate classification (germline): Pathogenic (1 of 4 stars; one submission).

Submission:

GeneDx
Classification: Pathogenic. Last evaluated: 2015-07-29. Review status: criteria provided, single submitter. Criteria: GeneDx Variant Classification (06012015). Collection method: clinical testing. Allele origin: germline. Affected: yes.
Comment: The c.1169_1175delAGTTCCA deletion in the SERPING1 gene causes a frameshift starting with codonLysine 390, changes this amino acid to a Serine residue and creates a premature Stop codon at position 5 ofthe new reading frame, denoted p.Lys390SerfsX5. This variant is predicted to cause loss of normal proteinfunction either through protein truncation or nonsense-mediated mRNA decay. Although this variant has notbeen previously reported to our knowledge, we consider it to be pathogenic.

NM_000062.3(SERPING1):c.1169_1175del (p.Lys390fs)

Gene: SERPING1 (serpin family G member 1; plus strand). Cytogenetic location: 11q12.1.
Variant type: Deletion.
Coding change: c.1169_1175del on transcript NM_000062.3 (MANE Select); coding-DNA positions 1169 to 1175, 7 bases deleted (AGTTCCA; older notation c.1169_1175delAGTTCCA).
Protein change: p.Lys390fs; shifts the reading frame from lysine 390.
Molecular consequence: frameshift variant.
Genome position (GRCh38, 1-based): chr11:57,611,856-57,611,862, AGTTCCA deleted; deleting any 7 consecutive bases within chr11:57,611,852-57,611,862 gives the same sequence; the c. name uses the placement nearest the transcript's 3' end. VCF-style (leftmost placement, unchanged base first): chr11-57611851-GTCCAAGT-G. GRCh37 (hg19) VCF-style: chr11-57379324-GTCCAAGT-G.
Other names: c.1169_1175delAGTTCCA (NM_000062.2); c.1169_1175del, p.Lys390fs (NM_001032295.2); short protein forms K390fs.
Identifiers: ClinVar variation 419503 (VCV000419503.2), dbSNP rs1064793917, ClinGen allele CA16619352.